The following is an entry in ClinVar:

ClinVar aggregate classification (germline): Pathogenic (1 of 4 stars; one submission).

Conditions:
Schimke immuno-osseous dysplasia (SIOD). Also called: Schimke Immunoosseous Dysplasia. Identifiers: Orphanet 1830, MedGen C0877024, MONDO:0009458, OMIM 242900.

Submission:

Labcorp Genetics (formerly Invitae), Labcorp
Classification: Pathogenic for Schimke immuno-osseous dysplasia. Last evaluated: 2023-07-25. Review status: criteria provided, single submitter. Criteria: Invitae Variant Classification Sherloc (09022015). Collection method: clinical testing. Allele origin: germline.
Comment: For these reasons, this variant has been classified as Pathogenic. This sequence change creates a premature translational stop signal (p.Leu798Trpfs*14) in the SMARCAL1 gene. It is expected to result in an absent or disrupted protein product. Loss-of-function variants in SMARCAL1 are known to be pathogenic (PMID: 11799392, 20301550). This variant is not present in population databases (gnomAD no frequency). This variant has not been reported in the literature in individuals affected with SMARCAL1-related conditions.

Literature cited by the submitters: PubMed 11799392; PubMed 20301550.

NM_014140.4(SMARCAL1):c.2392del (p.Leu798fs)

Gene: SMARCAL1 (SNF2 related chromatin remodeling annealing helicase 1; plus strand). Cytogenetic location: 2q35.
Variant type: Deletion.
Coding change: c.2392del on transcript NM_014140.4 (MANE Select); coding-DNA position 2392, one base deleted (C; older notation c.2392delC).
Protein change: p.Leu798fs; shifts the reading frame from leucine 798.
Molecular consequence: frameshift variant.
Genome position (GRCh38, 1-based): chr2:216,475,416, C deleted; the last of 2 consecutive C bases (chr2:216,475,415-216,475,416); deleting either gives the same sequence. VCF-style (leftmost placement, unchanged base first): chr2-216475414-AC-A. GRCh37 (hg19) VCF-style: chr2-217340137-AC-A.
Other names: c.2392del, p.Leu798fs (NM_001127207.2); short protein forms L798fs.
Identifiers: ClinVar variation 2780834 (VCV002780834.3), dbSNP rs2469047745, ClinGen allele CA2739279509.